The following is an entry in ClinVar:

NM_199420.4(POLQ):c.125C>T (p.Pro42Leu)

Genes: POLQ (DNA polymerase theta; minus strand), LOC112872292 (Sharpr-MPRA regulatory region 30; plus strand). Cytogenetic location: 3q13.33.
Variant type: single nucleotide variant.
Coding change: c.125C>T on transcript NM_199420.4 (MANE Select); coding-DNA position 125, C replaced by T.
Protein change: p.Pro42Leu; replaces proline 42 with leucine.
Molecular consequence: missense variant.
Genome position (GRCh38, 1-based): chr3:121,545,753, G>A on the plus strand (C>T on the coding strand, the complement: POLQ is on the minus strand). VCF-style: chr3-121545753-G-A. GRCh37 (hg19) VCF-style: chr3-121264600-G-A.
Other names: short protein forms P42L.
Identifiers: ClinVar variation 1762721 (VCV001762721.3), dbSNP rs2546828649, ClinGen allele CA354097020.

ClinVar aggregate classification (germline): Uncertain significance (1 of 4 stars; one submission).

Submission:

Ambry Genetics
Classification: Uncertain significance. Last evaluated: 2024-06-25. Review status: criteria provided, single submitter. Criteria: Ambry Variant Classification Scheme 2023. Collection method: clinical testing. Allele origin: germline.
Comment: The p.P42L variant (also known as c.125C>T), located in coding exon 1 of the POLQ gene, results from a C to T substitution at nucleotide position 125. The proline at codon 42 is replaced by leucine, an amino acid with similar properties. This amino acid position is conserved. In addition, the in silico prediction for this alteration is inconclusive. Since supporting evidence is limited at this time, the clinical significance of this alteration remains unclear.